The following is an entry in ClinVar:

ClinVar aggregate classification (germline): Uncertain significance. Review status: criteria provided, multiple submitters, no conflicts (2 of 4 stars). 3 submissions from 3 submitters: Uncertain significance (3). Last evaluated 2024-04-04.

Conditions:
Orofacial-digital syndrome IV (OFD4). Also called: BARAITSER-BURN SYNDROME; OFD SYNDROME WITH TIBIAL DEFECTS; OFD SYNDROME, BARAITSER-BURN TYPE; OFDS IV; ORAL-FACIAL-DIGITAL SYNDROME, TYPE IV; Orofaciodigital syndrome IV. Identifiers: Orphanet 2753, MedGen C0406727, MONDO:0009794, OMIM 258860.
Joubert syndrome 18 (JBTS18). Identifiers: Orphanet 2754, MedGen C3553758, MONDO:0013896, OMIM 614815.
Inborn genetic diseases. Identifiers: MedGen C0950123, MeSH D030342.

Allele frequency attached by ClinVar (database versions not stated): gnomAD exomes below 0.00001; gnomAD 0.00002; TOPMed 0.00003.
gnomAD v4.1: 7 of 1,614,012 alleles (0.00043%); highest among the groups gnomAD compares: Admixed American, 0.0033%; no homozygotes.

Submissions (3):

Ambry Genetics
Classification: Uncertain significance for Inborn genetic diseases. Last evaluated: 2024-04-04. Review status: criteria provided, single submitter. Criteria: Ambry Variant Classification Scheme 2023. Collection method: clinical testing. Allele origin: germline.

Blueprint Genetics
Classification: Uncertain significance. Last evaluated: 2022-09-23. Review status: criteria provided, single submitter. Criteria: ACMG Guidelines, 2015. Collection method: clinical testing. Allele origin: germline.

Labcorp Genetics (formerly Invitae), Labcorp
Classification: Uncertain significance for Joubert syndrome 18; Orofacial-digital syndrome IV. Last evaluated: 2022-05-01. Review status: criteria provided, single submitter. Criteria: Invitae Variant Classification Sherloc (09022015). Collection method: clinical testing. Allele origin: germline.
Comment: In summary, the available evidence is currently insufficient to determine the role of this variant in disease. Therefore, it has been classified as a Variant of Uncertain Significance. Algorithms developed to predict the effect of sequence changes on RNA splicing suggest that this variant may create or strengthen a splice site. Algorithms developed to predict the effect of missense changes on protein structure and function output the following: SIFT: "Tolerated"; PolyPhen-2: "Benign"; Align-GVGD: "Class C0". The serine amino acid residue is found in multiple mammalian species, which suggests that this missense change does not adversely affect protein function. This variant has not been reported in the literature in individuals affected with TCTN3-related conditions. This variant is present in population databases (no rsID available, gnomAD no frequency). This sequence change replaces asparagine, which is neutral and polar, with serine, which is neutral and polar, at codon 179 of the TCTN3 protein (p.Asn179Ser).

NM_015631.6(TCTN3):c.536A>G (p.Asn179Ser)

Gene: TCTN3 (tectonic family member 3; minus strand). Cytogenetic location: 10q24.1.
Variant type: single nucleotide variant.
Coding change: c.536A>G on transcript NM_015631.6 (MANE Select); coding-DNA position 536, A replaced by G.
Protein change: p.Asn179Ser; replaces asparagine 179 with serine.
Molecular consequence: missense variant. On other transcripts: intron variant (1).
Genome position (GRCh38, 1-based): chr10:95,687,683, T>C on the plus strand (A>G on the coding strand, the complement: TCTN3 is on the minus strand). VCF-style: chr10-95687683-T-C. GRCh37 (hg19) VCF-style: chr10-97447440-T-C.
Other names: c.590A>G, p.Asn197Ser (NM_001013840.1); c.536A>G, p.Asn179Ser (NM_001410982.1); c.500-524A>G (NM_001143973.2); c.536A>G (NM_015631.5); short protein forms N179S, N197S.
Identifiers: ClinVar variation 2086387 (VCV002086387.5), dbSNP rs943000517, ClinGen allele CA211805481.